The following is an entry in ClinVar:

ClinVar aggregate classification (germline): Pathogenic/Likely pathogenic. Review status: criteria provided, multiple submitters, no conflicts (2 of 4 stars). 4 submissions from 4 submitters: Pathogenic (2); Likely pathogenic (2). Last evaluated 2025-03-24.

Conditions:
Thrombophilia due to protein C deficiency, autosomal recessive. Also called: PROC DEFICIENCY, AUTOSOMAL RECESSIVE; PROTEIN C DEFICIENCY, AUTOSOMAL RECESSIVE. Identifiers: Orphanet 745, MedGen C2676759, MONDO:0012860, OMIM 612304.
Thrombophilia due to protein C deficiency, autosomal dominant. Also called: PROC DEFICIENCY, AUTOSOMAL DOMINANT; PROTEIN C DEFICIENCY, AUTOSOMAL DOMINANT. Identifiers: Orphanet 745, MedGen C2674321, MONDO:0008316, OMIM 176860. Disease mechanism: loss of function.

Allele frequency attached by ClinVar (database versions not stated): TOPMed below 0.00001; ExAC 0.00001; gnomAD 0.00001; gnomAD exomes 0.00001.
gnomAD v4.1: 9 of 1,613,788 alleles (0.00056%); highest among the groups gnomAD compares: Admixed American, 0.0017%; no homozygotes.

Submissions (4):

Labcorp Genetics (formerly Invitae), Labcorp
Classification: Likely pathogenic for Thrombophilia due to protein C deficiency, autosomal dominant. Last evaluated: 2025-03-24. Review status: criteria provided, single submitter. Criteria: Invitae Variant Classification Sherloc (09022015). Collection method: clinical testing. Allele origin: germline.
Comment: This sequence change replaces arginine, which is basic and polar, with cysteine, which is neutral and slightly polar, at codon 42 of the PROC protein (p.Arg42Cys). This variant is present in population databases (rs774572099, gnomAD 0.003%). This missense change has been observed in individual(s) with protein C deficiency (PMID: 8136274, 8324221, 24051141). It has also been observed to segregate with disease in related individuals. This variant is also known as Arg-1Cys. ClinVar contains an entry for this variant (Variation ID: 932369). An algorithm developed to predict the effect of missense changes on protein structure and function (PolyPhen-2) suggests that this variant is likely to be disruptive. Experimental studies have shown that this missense change affects PROC function (PMID: 8136274, 24051141, 37393002). In summary, the currently available evidence indicates that the variant is pathogenic, but additional data are needed to prove that conclusively. Therefore, this variant has been classified as Likely Pathogenic.

Mayo Clinic Laboratories, Mayo Clinic
Classification: Pathogenic. Last evaluated: 2024-09-06. Review status: criteria provided, single submitter. Criteria: ACMG Guidelines, 2015. Collection method: clinical testing. Allele origin: germline. Observed: 1 variant allele.
Comment: PP1_moderate, PP3, PM1_supporting, PM2, PM5, PS3, PS4_moderate

Fulgent Genetics
Classification: Likely pathogenic for Thrombophilia due to protein C deficiency, autosomal dominant; Thrombophilia due to protein C deficiency, autosomal recessive. Last evaluated: 2021-10-12. Review status: criteria provided, single submitter. Criteria: ACMG Guidelines, 2015. Collection method: clinical testing. Allele origin: unknown.

CeGaT Center for Human Genetics Tuebingen
Classification: Pathogenic. Last evaluated: 2020-05-01. Review status: criteria provided, single submitter. Criteria: CeGaT Center For Human Genetics Tuebingen Variant Classification Criteria Version 2. Collection method: clinical testing. Allele origin: germline. Affected: yes. Observed: 1 variant allele.

Literature cited by the submitters: PubMed 8136274 (cited by Labcorp Genetics (formerly Invitae), Labcorp and Mayo Clinic Laboratories, Mayo Clinic); PubMed 8324221 (cited by Labcorp Genetics (formerly Invitae), Labcorp and Mayo Clinic Laboratories, Mayo Clinic); PubMed 24051141 (cited by Labcorp Genetics (formerly Invitae), Labcorp and Mayo Clinic Laboratories, Mayo Clinic); PubMed 37393002 (cited by Labcorp Genetics (formerly Invitae), Labcorp and Mayo Clinic Laboratories, Mayo Clinic); PubMed 33477601 (cited by Mayo Clinic Laboratories, Mayo Clinic); PubMed 37647632 (cited by Mayo Clinic Laboratories, Mayo Clinic); PubMed 38155150 (cited by Mayo Clinic Laboratories, Mayo Clinic).

NM_000312.4(PROC):c.124C>T (p.Arg42Cys)

Gene: PROC (protein C, inactivator of coagulation factors Va and VIIIa; plus strand). Cytogenetic location: 2q14.3.
Variant type: single nucleotide variant.
Coding change: c.124C>T on transcript NM_000312.4 (MANE Select); coding-DNA position 124, C replaced by T.
Protein change: p.Arg42Cys; replaces arginine 42 with cysteine.
Molecular consequence: missense variant.
Genome position (GRCh38, 1-based): chr2:127,421,336, C>T. VCF-style: chr2-127421336-C-T. GRCh37 (hg19) VCF-style: chr2-128178912-C-T.
Other names: p.Arg42Cys; c.124C>T (NM_000312.3); c.307C>T, p.Arg103Cys (NM_001375602.1); c.187C>T, p.Arg63Cys (NM_001375603.1, NM_001375604.1, NM_001375606.1); c.124C>T, p.Arg42Cys (NM_001375605.1, NM_001375608.1, NM_001375611.1 and 1 more transcripts); c.208C>T, p.Arg70Cys (NM_001375607.1); c.100C>T, p.Arg34Cys (NM_001375609.1); c.118C>T, p.Arg40Cys (NM_001375610.1); short protein forms R63C, R34C, R42C, R70C, R103C, R40C.
Identifiers: ClinVar variation 932369 (VCV000932369.47), dbSNP rs774572099, ClinGen allele CA1859245.